The following is an entry in ClinVar:

NM_001429.4(EP300):c.3684_3687del (p.Lys1228fs)

Gene: EP300 (EP300 lysine acetyltransferase; plus strand). Cytogenetic location: 22q13.2.
Variant type: Deletion.
Coding change: c.3684_3687del on transcript NM_001429.4 (MANE Select); coding-DNA positions 3684 to 3687, 4 bases deleted (AGAA; older notation c.3684_3687delAGAA).
Protein change: p.Lys1228fs; shifts the reading frame from lysine 1228.
Molecular consequence: frameshift variant.
Genome position (GRCh38, 1-based): chr22:41,162,735-41,162,738, AGAA deleted; deleting any 4 consecutive bases within chr22:41,162,733-41,162,738 gives the same sequence; the c. name uses the placement nearest the transcript's 3' end. VCF-style (leftmost placement, unchanged base first): chr22-41162732-TAAAG-T. GRCh37 (hg19) VCF-style: chr22-41558736-TAAAG-T.
Other names: c.3606_3609del, p.Lys1202fs (NM_001362843.2); c.3684_3687delAGAA (NM_001429.3); c.3684_3687del (NM_001429.3); short protein forms K1228fs, K1202fs.
Identifiers: ClinVar variation 487228 (VCV000487228.49), dbSNP rs1555910482, ClinGen allele CA658658922.

ClinVar aggregate classification (germline): Pathogenic. Review status: criteria provided, multiple submitters, no conflicts (2 of 4 stars). 3 submissions from 3 submitters: Pathogenic (3). Last evaluated 2025-03-24.

Conditions:
Rubinstein-Taybi syndrome due to EP300 haploinsufficiency. Also called: EP300-Related Rubinstein-Taybi Syndrome; RUBINSTEIN-TAYBI SYNDROME 2. Identifiers: Orphanet 353284, Orphanet 783, MedGen C3150941, MONDO:0013364, OMIM 613684.

Submissions (3):

GeneDx
Classification: Pathogenic. Last evaluated: 2025-03-24. Review status: criteria provided, single submitter. Criteria: GeneDx Variant Classification Process June 2021. Collection method: clinical testing. Allele origin: germline. Affected: yes.
Comment: Reported in the heterozygous state in a patient with features consistent with EP300-related Rubinstein-Taybi syndrome in published literature (PMID: 33043588); Frameshift variant predicted to result in protein truncation or nonsense mediated decay in a gene for which loss of function is a known mechanism of disease; Not observed at significant frequency in large population cohorts (gnomAD); This variant is associated with the following publications: (PMID: 33043588)

CeGaT Center for Human Genetics Tuebingen
Classification: Pathogenic. Last evaluated: 2019-09-01. Review status: criteria provided, single submitter. Criteria: CeGaT Center For Human Genetics Tuebingen Variant Classification Criteria Version 2. Collection method: clinical testing. Allele origin: germline. Affected: yes. Observed: 3 variant alleles.

Labcorp Genetics (formerly Invitae), Labcorp
Classification: Pathogenic for Rubinstein-Taybi syndrome due to EP300 haploinsufficiency. Last evaluated: 2017-07-14. Review status: criteria provided, single submitter. Criteria: Invitae Variant Classification Sherloc (09022015). Collection method: clinical testing. Allele origin: germline.
Comment: For these reasons, this variant has been classified as Pathogenic. Loss-of-function variants in EP300 are known to be pathogenic (PMID: 15706485, 24476420). This variant has not been reported in the literature in individuals with EP300-related disease. This variant is not present in population databases (ExAC no frequency). This sequence change creates a premature translational stop signal (p.Lys1228Asnfs*48) in the EP300 gene. It is expected to result in an absent or disrupted protein product.

Literature cited by the submitters: PubMed 15706485 (cited by Labcorp Genetics (formerly Invitae), Labcorp); PubMed 24476420 (cited by Labcorp Genetics (formerly Invitae), Labcorp).